The following is an entry in ClinVar:

ClinVar aggregate classification (germline): Uncertain significance (1 of 4 stars; one submission).

Conditions:
Charcot-Marie-Tooth disease recessive intermediate C. Also called: CHARCOT-MARIE-TOOTH NEUROPATHY, RECESSIVE INTERMEDIATE C. Identifiers: Orphanet 369867, MedGen C3809309, MONDO:0014154, OMIM 615376.
Neuronopathy, distal hereditary motor, autosomal recessive 4. Also called: Autosomal recessive lower motor neuron disease with childhood onset; NEUROPATHY, DISTAL HEREDITARY MOTOR, AUTOSOMAL RECESSIVE 4. Identifiers: Orphanet 206580, MedGen C1970211, MONDO:0012608, OMIM 611067.

gnomAD v4.1: 4 of 1,613,932 alleles (0.00025%); highest among the groups gnomAD compares: Non-Finnish European, 0.00034%; no homozygotes.

Submission:

Labcorp Genetics (formerly Invitae), Labcorp
Classification: Uncertain significance for Neuronopathy, distal hereditary motor, autosomal recessive 4; Charcot-Marie-Tooth disease recessive intermediate C. Last evaluated: 2020-12-22. Review status: criteria provided, single submitter. Criteria: Invitae Variant Classification Sherloc (09022015). Collection method: clinical testing. Allele origin: germline.
Comment: In summary, the available evidence is currently insufficient to determine the role of this variant in disease. Therefore, it has been classified as a Variant of Uncertain Significance. Algorithms developed to predict the effect of missense changes on protein structure and function are either unavailable or do not agree on the potential impact of this missense change (SIFT: "Deleterious"; PolyPhen-2: "Probably Damaging"; Align-GVGD: "Class C0"). This variant has not been reported in the literature in individuals with PLEKHG5-related conditions. This variant is not present in population databases (ExAC no frequency). This sequence change replaces glutamic acid with glutamine at codon 307 of the PLEKHG5 protein (p.Glu307Gln). The glutamic acid residue is moderately conserved and there is a small physicochemical difference between glutamic acid and glutamine.

NM_020631.6(PLEKHG5):c.919G>C (p.Glu307Gln)

Gene: PLEKHG5 (pleckstrin homology and RhoGEF domain containing G5; minus strand). Cytogenetic location: 1p36.31.
Variant type: single nucleotide variant.
Coding change: c.919G>C on transcript NM_020631.6 (MANE Select); coding-DNA position 919, G replaced by C.
Protein change: p.Glu307Gln; replaces glutamic acid 307 with glutamine.
Molecular consequence: missense variant.
Genome position (GRCh38, 1-based): chr1:6,473,051, C>G on the plus strand (G>C on the coding strand, the complement: PLEKHG5 is on the minus strand). VCF-style: chr1-6473051-C-G. GRCh37 (hg19) VCF-style: chr1-6533111-C-G.
Other names: c.1030G>C, p.Glu344Gln (NM_001042663.3, NM_001265592.2); c.919G>C, p.Glu307Gln (NM_001042664.2, NM_001042665.2, NM_001265594.3 and 1 more transcripts); c.1126G>C, p.Glu376Gln (NM_001265593.2); short protein forms E376Q, E344Q, E307Q.
Identifiers: ClinVar variation 1481048 (VCV001481048.8), dbSNP rs148745591, ClinGen allele CA338133979.